The following is an entry in ClinVar:

NM_001723.7(DST):c.5465C>T (p.Ala1822Val)

Gene: DST (dystonin; minus strand). Cytogenetic location: 6p12.1.
Variant type: single nucleotide variant.
Coding change: c.5465C>T on transcript NM_001723.7 (MANE Plus Clinical); coding-DNA position 5465, C replaced by T.
Protein change: p.Ala1822Val; replaces alanine 1822 with valine.
Molecular consequence: missense variant. On other transcripts: intron variant (10).
Genome position (GRCh38, 1-based): chr6:56,618,569, G>A on the plus strand (C>T on the coding strand, the complement: DST is on the minus strand). VCF-style: chr6-56618569-G-A. GRCh37 (hg19) VCF-style: chr6-56483367-G-A.
Other names: c.4831-4085C>T (NM_001144769.5); c.4930-4085C>T (NM_001374722.1, NM_001374736.1); c.4957-4085C>T (NM_001374734.1); c.4417-4085C>T (NM_001144770.2); c.4297-4085C>T (NM_001374730.1, NM_001386100.1, NM_183380.4 and 1 more transcripts); c.3319-4085C>T (NM_015548.5); short protein forms A1822V.
Identifiers: ClinVar variation 846214 (VCV000846214.10), dbSNP rs568934342, ClinGen allele CA364567310.
Genomic context (GRCh38, chr6:56,618,569, plus strand): 5'-ACCTCACGCTTCTGGGCTATCAGCTCATCCTCAAGTTTCTGACATTTTTGGTAATGATTT[G>A]CTTCCATGTGCTGCCCTTGCTGCATTTGTTCACGATACTGTTGAAGCTGTCTTTCAAGTT-3'
Protein context (NP_001714.1, residues 1812-1832): EQMQQGQHME[Ala1822Val]NHYQKCQKLE

ClinVar aggregate classification (germline): Uncertain significance (1 of 4 stars; one submission).

Conditions:
Epidermolysis bullosa simplex 3, localized or generalized intermediate, with BP230 deficiency (EBS3). Also called: Epidermolysis bullosa simplex due to BP230 deficiency; Epidermolysis bullosa simplex, autosomal recessive 2. Identifiers: Orphanet 412181, MedGen C3809470, MONDO:0014180, OMIM 615425.
Hereditary sensory and autonomic neuropathy type 6. Also called: HSAN VI; Neuropathy, hereditary sensory and autonomic, type VI. Identifiers: Orphanet 314381, MedGen C3539003, MONDO:0013839, OMIM 614653.

Allele frequency attached by ClinVar (database versions not stated): TOPMed below 0.00001.
gnomAD v4.1: 2 of 1,614,044 alleles (0.00012%); highest among the groups gnomAD compares: Non-Finnish European, 0.000085%; no homozygotes.

Submission:

Labcorp Genetics (formerly Invitae), Labcorp
Classification: Uncertain significance for Epidermolysis bullosa simplex 3, localized or generalized intermediate, with BP230 deficiency; Hereditary sensory and autonomic neuropathy type 6. Last evaluated: 2020-02-10. Review status: criteria provided, single submitter. Criteria: Invitae Variant Classification Sherloc (09022015). Collection method: clinical testing. Allele origin: germline.
Comment: This sequence change replaces alanine with valine at codon 1822 of the DST protein (p.Ala1822Val). The alanine residue is weakly conserved and there is a small physicochemical difference between alanine and valine. This variant is not present in population databases (ExAC no frequency). This variant has not been reported in the literature in individuals with DST-related conditions. Algorithms developed to predict the effect of missense changes on protein structure and function are either unavailable or do not agree on the potential impact of this missense change (SIFT: "Deleterious"; PolyPhen-2: "Benign"; Align-GVGD: "Class C0"). Algorithms developed to predict the effect of sequence changes on RNA splicing suggest that this variant may create or strengthen a splice site, but this prediction has not been confirmed by published transcriptional studies. In summary, the available evidence is currently insufficient to determine the role of this variant in disease. Therefore, it has been classified as a Variant of Uncertain Significance.